The following is an entry in ClinVar:

ClinVar aggregate classification (germline): Likely pathogenic (1 of 4 stars; one submission).

Conditions:
Autosomal recessive limb-girdle muscular dystrophy type 2J (LGMDR10). Also called: Limb-girdle muscular dystrophy, type 2J; MUSCULAR DYSTROPHY, LIMB-GIRDLE, AUTOSOMAL RECESSIVE 10. Identifiers: Orphanet 140922, MedGen C1837342, MONDO:0012127, OMIM 608807.
Dilated cardiomyopathy 1G (CMD1G). Identifiers: Orphanet 154, MedGen C1858763, MONDO:0011400, OMIM 604145.

Submission:

Labcorp Genetics (formerly Invitae), Labcorp
Classification: Likely pathogenic for Dilated cardiomyopathy 1G; Autosomal recessive limb-girdle muscular dystrophy type 2J. Last evaluated: 2025-12-10. Review status: criteria provided, single submitter. Criteria: Invitae Variant Classification Sherloc (09022015). Collection method: clinical testing. Allele origin: germline.
Comment: This sequence change creates a premature translational stop signal (p.Met29197Glufs*25) in the TTN gene. While this is not anticipated to result in nonsense mediated decay, it is expected to create a truncated TTN protein. This variant is not present in population databases (gnomAD no frequency). This variant has not been reported in the literature in individuals affected with TTN-related conditions. This variant is located in the A band of TTN (PMID: 25589632). Truncating variants in this region are significantly overrepresented in patients affected with dilated cardiomyopathy (PMID: 25589632). Truncating variants in this region have also been reported in individuals affected with autosomal recessive centronuclear myopathy (PMID: 23975875). In summary, the currently available evidence indicates that the variant is pathogenic, but additional data are needed to prove that conclusively. Therefore, this variant has been classified as Likely Pathogenic.

Literature cited by the submitters: PubMed 25589632; PubMed 23975875.

NM_001267550.2(TTN):c.87589_87590del (p.Met29197fs)

Genes: TTN (titin; minus strand), TTN-AS1 (TTN antisense RNA 1; plus strand). Cytogenetic location: 2q31.2.
Variant type: Deletion.
Coding change: c.87589_87590del on transcript NM_001267550.2 (MANE Select); coding-DNA positions 87589 to 87590, 2 bases deleted (AT; older notation c.87589_87590delAT).
Protein change: p.Met29197fs; shifts the reading frame from methionine 29197.
Molecular consequence: frameshift variant.
Genome position (GRCh38, 1-based): chr2:178,557,764-178,557,765, AT deleted on the plus strand (AT on the coding strand, the reverse complement: TTN is on the minus strand). VCF-style (leftmost placement, unchanged base first): chr2-178557763-CAT-C. GRCh37 (hg19) VCF-style: chr2-179422490-CAT-C.
Other names: c.82666_82667del, p.Met27556fs (NM_001256850.1); c.60394_60395del, p.Met20132fs (NM_003319.4); c.79885_79886del, p.Met26629fs (NM_133378.4); c.60769_60770del, p.Met20257fs (NM_133432.3); c.60970_60971del, p.Met20324fs (NM_133437.4); short protein forms M20132fs, M26629fs, M20324fs, M29197fs, M20257fs, M27556fs.
Identifiers: ClinVar variation 4786123 (VCV004786123.1).